The following is an entry in ClinVar:

ClinVar aggregate classification (germline): Uncertain significance (1 of 4 stars; one submission).

gnomAD v4.1: 1 of 1,126,495 alleles (0.000089%); highest among the groups gnomAD compares: Non-Finnish European, 0.00012%; no homozygotes.

Submission:

GeneDx
Classification: Uncertain significance. Last evaluated: 2022-01-13. Review status: criteria provided, single submitter. Criteria: GeneDx Variant Classification Process June 2021. Collection method: clinical testing. Allele origin: germline. Affected: yes.
Comment: Not observed at significant frequency in large population cohorts (gnomAD); In silico analysis supports that this missense variant has a deleterious effect on protein structure/function; Has not been previously published as pathogenic or benign to our knowledge

NM_001330360.2(POLA1):c.1387T>C (p.Tyr463His)

Gene: POLA1 (DNA polymerase alpha 1, catalytic subunit; plus strand). Cytogenetic location: Xp22.11.
Variant type: single nucleotide variant.
Coding change: c.1387T>C on transcript NM_001330360.2 (MANE Select); coding-DNA position 1387, T replaced by C.
Protein change: p.Tyr463His; replaces tyrosine 463 with histidine.
Molecular consequence: missense variant. On other transcripts: non-coding transcript variant (2), intron variant (1).
Genome position (GRCh38, 1-based): chrX:24,726,050, T>C. VCF-style: chrX-24726050-T-C. GRCh37 (hg19) VCF-style: chrX-24744167-T-C.
Other names: c.1369T>C, p.Tyr457His (NM_016937.4); c.1318-883T>C (NM_001378303.1); short protein forms Y457H, Y463H.
Identifiers: ClinVar variation 1697009 (VCV001697009.2), dbSNP rs2148361232, ClinGen allele CA412533345.